The following is an entry in ClinVar:

NM_001267550.2(TTN):c.86653C>T (p.Arg28885Cys)

Genes: TTN (titin; minus strand), TTN-AS1 (TTN antisense RNA 1; plus strand). Cytogenetic location: 2q31.2.
Variant type: single nucleotide variant.
Coding change: c.86653C>T on transcript NM_001267550.2 (MANE Select); coding-DNA position 86653, C replaced by T.
Protein change: p.Arg28885Cys; replaces arginine 28885 with cysteine.
Molecular consequence: missense variant.
Genome position (GRCh38, 1-based): chr2:178,559,479, G>A on the plus strand (C>T on the coding strand, the complement: TTN is on the minus strand). VCF-style: chr2-178559479-G-A. GRCh37 (hg19) VCF-style: chr2-179424206-G-A.
Other names: c.81730C>T, p.Arg27244Cys (NM_001256850.1); c.59458C>T, p.Arg19820Cys (NM_003319.4); c.78949C>T, p.Arg26317Cys (NM_133378.4); c.59833C>T, p.Arg19945Cys (NM_133432.3); c.60034C>T, p.Arg20012Cys (NM_133437.4); short protein forms R19820C, R19945C, R20012C, R26317C, R27244C, R28885C.
Identifiers: ClinVar variation 2437627 (VCV002437627.5), dbSNP rs1702802682, ClinGen allele CA349542378.

ClinVar aggregate classification (germline): Uncertain significance. Review status: criteria provided, multiple submitters, no conflicts (2 of 4 stars). 2 submissions from 2 submitters: Uncertain significance (2). Last evaluated 2026-08-14.

Allele frequency attached by ClinVar (database versions not stated): gnomAD 0.00001; gnomAD exomes below 0.00001.
gnomAD v4.1: 5 of 1,613,544 alleles (0.00031%); highest among the groups gnomAD compares: Non-Finnish European, 0.00017%; no homozygotes.

Submissions (2):

GeneDx
Classification: Uncertain significance. Last evaluated: 2026-08-14. Review status: criteria provided, single submitter. Criteria: GeneDx Variant Classification Process June 2021. Collection method: clinical testing. Allele origin: germline.
Comment: Not observed at significant frequency in large population cohorts (gnomAD); Missense variant in a gene in which most reported pathogenic variants are truncating/loss of function; Has not been previously published as pathogenic or benign to our knowledge

Revvity Omics, Revvity
Classification: Uncertain significance. Last evaluated: 2019-07-01. Review status: criteria provided, single submitter. Criteria: ACMG Guidelines, 2015. Collection method: clinical testing. Allele origin: germline.